The following is an entry in ClinVar:

NM_006648.4(WNK2):c.3857G>C (p.Gly1286Ala)

Gene: WNK2 (WNK lysine deficient protein kinase 2; plus strand). Cytogenetic location: 9q22.31.
Variant type: single nucleotide variant.
Coding change: c.3857G>C on transcript NM_006648.4 (MANE Select); coding-DNA position 3857, G replaced by C.
Protein change: p.Gly1286Ala; replaces glycine 1286 with alanine.
Molecular consequence: missense variant.
Genome position (GRCh38, 1-based): chr9:93,267,906, G>C. VCF-style: chr9-93267906-G-C. GRCh37 (hg19) VCF-style: chr9-96030188-G-C.
Other names: c.3857G>C, p.Gly1286Ala (NM_001282394.3); short protein forms G1286A.
Identifiers: ClinVar variation 3816901 (VCV003816901.1).

ClinVar aggregate classification (germline): Uncertain significance (1 of 4 stars; one submission).

gnomAD v4.1: 1 of 1,612,362 alleles (0.000062%); highest among the groups gnomAD compares: Non-Finnish European, 0.000085%; no homozygotes.

Submission:

Ambry Genetics
Classification: Uncertain significance. Last evaluated: 2025-01-23. Review status: criteria provided, single submitter. Criteria: Ambry Variant Classification Scheme 2023. Collection method: clinical testing. Allele origin: germline.
Comment: The p.G1286A variant (also known as c.3857G>C), located in coding exon 16 of the WNK2 gene, results from a G to C substitution at nucleotide position 3857. The glycine at codon 1286 is replaced by alanine, an amino acid with similar properties. This amino acid position is conserved. In addition, this alteration is predicted to be tolerated by in silico analysis. Based on the available evidence, the clinical significance of this variant remains unclear.